The following is an entry in ClinVar:

ClinVar aggregate classification (germline): Uncertain significance (1 of 4 stars; one submission).

Conditions:
EGFR-related lung cancer (EGFR). Identifiers: MedGen CN130014.

Submission:

Labcorp Genetics (formerly Invitae), Labcorp
Classification: Uncertain significance for EGFR-related lung cancer. Last evaluated: 2022-08-16. Review status: criteria provided, single submitter. Criteria: Invitae Variant Classification Sherloc (09022015). Collection method: clinical testing. Allele origin: germline.
Comment: In summary, the available evidence is currently insufficient to determine the role of this variant in disease. Therefore, it has been classified as a Variant of Uncertain Significance. Variants that disrupt the consensus splice site are a relatively common cause of aberrant splicing (PMID: 17576681, 9536098). Algorithms developed to predict the effect of sequence changes on RNA splicing suggest that this variant is not likely to affect RNA splicing. This variant has not been reported in the literature in individuals affected with EGFR-related conditions. This variant is not present in population databases (gnomAD no frequency). This sequence change falls in intron 10 of the EGFR gene. It does not directly change the encoded amino acid sequence of the EGFR protein. It affects a nucleotide within the consensus splice site.

Literature cited by the submitters: PubMed 17576681; PubMed 9536098.

NM_005228.5(EGFR):c.1208-3C>T

Gene: EGFR (epidermal growth factor receptor; plus strand). Cytogenetic location: 7p11.2.
Variant type: single nucleotide variant.
Coding change: c.1208-3C>T on transcript NM_005228.5 (MANE Select); 3 bases into the intron before coding-DNA position 1208, C replaced by T.
Molecular consequence: intron variant.
Genome position (GRCh38, 1-based): chr7:55,157,660, C>T. VCF-style: chr7-55157660-C-T. GRCh37 (hg19) VCF-style: chr7-55225353-C-T.
Other names: c.1073-3C>T (NM_001346899.2, NM_001346897.2); c.407-3C>T (NM_001346941.2); c.1208-3C>T (NM_001346898.2, NM_201284.2, NM_201282.2); c.1049-3C>T (NM_001346900.2).
Identifiers: ClinVar variation 2024382 (VCV002024382.4), dbSNP rs2128939586, ClinGen allele CA2580077302.
Genomic context (GRCh38, chr7:55,157,660, plus strand): 5'-TGTCTCATACAAAAAAGAAACTCCTACGTGGTGTGTGTCTGAAGTCTTTCATCTGCCTTA[C>T]AGGGTTTTTGCTGATTCAGGCTTGGCCTGAAAACAGGACGGACCTCCATGCCTTTGAGAA-3'